The following is an entry in ClinVar:

ClinVar aggregate classification (germline): Uncertain significance (1 of 4 stars; one submission).

gnomAD v4.1: 2 of 1,607,050 alleles (0.00012%); highest among the groups gnomAD compares: Non-Finnish European, 0.00017%; no homozygotes.

Submission:

GeneDx
Classification: Uncertain significance. Last evaluated: 2024-11-01. Review status: criteria provided, single submitter. Criteria: GeneDx Variant Classification Process June 2021. Collection method: clinical testing. Allele origin: germline. Affected: yes.
Comment: Not observed at significant frequency in large population cohorts (gnomAD); In silico analysis indicates that this missense variant does not alter protein structure/function; Has not been previously published as pathogenic or benign to our knowledge

NM_001349338.3(FOXP1):c.1432A>G (p.Ile478Val)

Genes: FOXP1 (forkhead box P1; minus strand), LOC126806714 (BRD4-independent group 4 enhancer GRCh37_chr3:71025197-71026396; plus strand). Cytogenetic location: 3p13.
Variant type: single nucleotide variant.
Coding change: c.1432A>G on transcript NM_001349338.3 (MANE Select); coding-DNA position 1432, A replaced by G.
Protein change: p.Ile478Val; replaces isoleucine 478 with valine.
Molecular consequence: missense variant. On other transcripts: non-coding transcript variant (2).
Genome position (GRCh38, 1-based): chr3:70,977,039, T>C on the plus strand (A>G on the coding strand, the complement: FOXP1 is on the minus strand). VCF-style: chr3-70977039-T-C. GRCh37 (hg19) VCF-style: chr3-71026190-T-C.
Other names: c.1429A>G, p.Ile477Val (NM_001244808.3, NM_001349341.3); c.1432A>G, p.Ile478Val (NM_001244810.2, NM_001244814.3, NM_001244816.2 and 2 more transcripts); c.1204A>G, p.Ile402Val (NM_001244812.3); c.1132A>G, p.Ile378Val (NM_001244813.3, NM_001244815.2, NM_001349342.3); c.1129A>G, p.Ile377Val (NM_001349337.2, NM_001349343.3, NM_001349344.3 and 1 more transcripts); short protein forms I377V, I378V, I402V, I477V, I478V.
Identifiers: ClinVar variation 3897386 (VCV003897386.1).